The following is an entry in ClinVar:

ClinVar aggregate classification (germline): Uncertain significance (1 of 4 stars; one submission).

Submission:

Labcorp Genetics (formerly Invitae), Labcorp
Classification: Uncertain significance. Last evaluated: 2025-08-24. Review status: criteria provided, single submitter. Criteria: Invitae Variant Classification Sherloc (09022015). Collection method: clinical testing. Allele origin: germline.
Comment: This sequence change replaces glycine, which is neutral and non-polar, with arginine, which is basic and polar, at codon 120 of the ALPK3 protein (p.Gly120Arg). This variant is not present in population databases (gnomAD no frequency). This variant has not been reported in the literature in individuals affected with ALPK3-related conditions. An algorithm developed to predict the effect of missense changes on protein structure and function (PolyPhen-2) suggests that this variant is likely to be disruptive. In summary, the available evidence is currently insufficient to determine the role of this variant in disease. Therefore, it has been classified as a Variant of Uncertain Significance.

NC_000015.10:g.84817204G>C

Gene: ALPK3 (alpha kinase 3; plus strand). Cytogenetic location: 15q25.3.
Variant type: single nucleotide variant.
Genome position: GRCh38 VCF-style: chr15-84817204-G-C. GRCh37 (hg19) VCF-style: chr15-85360435-G-C.
Identifiers: ClinVar variation 4725956 (VCV004725956.1).